The following is an entry in ClinVar:

ClinVar aggregate classification (germline): Uncertain significance (1 of 4 stars; one submission).

Allele frequency attached by ClinVar (database versions not stated): ExAC 0.00001.
gnomAD v4.1: 1 of 1,614,198 alleles (0.000062%); highest among the groups gnomAD compares: African/African-American, 0.0013%; no homozygotes.

Submission:

Labcorp Genetics (formerly Invitae), Labcorp
Classification: Uncertain significance. Last evaluated: 2021-12-02. Review status: criteria provided, single submitter. Criteria: Invitae Variant Classification Sherloc (09022015). Collection method: clinical testing. Allele origin: germline.
Comment: This sequence change replaces threonine, which is neutral and polar, with isoleucine, which is neutral and non-polar, at codon 70 of the PDYN protein (p.Thr70Ile). This variant is present in population databases (rs759270820, gnomAD 0.007%). This variant has not been reported in the literature in individuals affected with PDYN-related conditions. Algorithms developed to predict the effect of missense changes on protein structure and function are either unavailable or do not agree on the potential impact of this missense change (SIFT: "Deleterious"; PolyPhen-2: "Benign"; Align-GVGD: "Class C0"). In summary, the available evidence is currently insufficient to determine the role of this variant in disease. Therefore, it has been classified as a Variant of Uncertain Significance.

NM_024411.5(PDYN):c.209C>T (p.Thr70Ile)

Genes: PDYN (prodynorphin; minus strand), PDYN-AS1 (PDYN antisense RNA 1; plus strand). Cytogenetic location: 20p13.
Variant type: single nucleotide variant.
Coding change: c.209C>T on transcript NM_024411.5 (MANE Select); coding-DNA position 209, C replaced by T.
Protein change: p.Thr70Ile; replaces threonine 70 with isoleucine.
Molecular consequence: missense variant.
Genome position (GRCh38, 1-based): chr20:1,980,879, G>A on the plus strand (C>T on the coding strand, the complement: PDYN is on the minus strand). VCF-style: chr20-1980879-G-A. GRCh37 (hg19) VCF-style: chr20-1961525-G-A.
Other names: c.209C>T, p.Thr70Ile (NM_001190892.1, NM_001190898.3, NM_001190899.2 and 1 more transcripts); short protein forms T70I.
Identifiers: ClinVar variation 1512601 (VCV001512601.8), dbSNP rs759270820, ClinGen allele CA9730339.
Genomic context (GRCh38, chr20:1,980,879, plus strand): 5'-CCTTCCCCAACCGACTTGCTCCCCAAGTCCTCCTTGTCATTGAGCCCAAGGGTGGAGGGG[G>A]TGAAAAAAGACAGAAAGCTCTGGCATCTCTCCCATTCCTCAGAGGGCAGCAGGGCAGCCT-3'
Protein context (NP_077722.1, residues 60-80): ERCQSFLSFF[Thr70Ile]PSTLGLNDKE